The following is an entry in ClinVar:

ClinVar aggregate classification (germline): Uncertain significance. Review status: criteria provided, single submitter (1 of 4 stars). 2 submissions from 2 submitters: Uncertain significance (1). 1 of the submissions does not count toward it. Last evaluated 2026-03-19.

Conditions:
KDM6B-related disorder. Also called: KDM6B-related condition.

Allele frequency attached by ClinVar (database versions not stated): ExAC 0.00001; gnomAD exomes 0.00001.
gnomAD v4.1: 8 of 1,614,202 alleles (0.0005%); highest among the groups gnomAD compares: Non-Finnish European, 0.00068%; no homozygotes.

Submissions (2):

Women's Health and Genetics/Laboratory Corporation of America, LabCorp
Classification: Uncertain significance. Last evaluated: 2026-03-19. Review status: criteria provided, single submitter. Criteria: LabCorp Variant Classification Summary - May 2015. Collection method: clinical testing. Allele origin: germline.
Comment: Variant summary: KDM6B c.55C>T (p.Leu19Phe) results in a non-conservative amino acid change in the encoded protein sequence. Algorithms developed to predict the effect of missense changes on protein structure and function are either unavailable or do not agree on the potential impact of this missense change. The variant allele was found at a frequency of 4e-06 in 250582 control chromosomes. The available data on variant occurrences in the general population are insufficient to allow any conclusion about variant significance. To our knowledge, no occurrence of c.55C>T in individuals affected with KDM6B-related conditions and no experimental evidence demonstrating its impact on protein function have been reported. ClinVar contains an entry for this variant (Variation ID: 2631780). Based on the evidence outlined above, the variant was classified as uncertain significance.

PreventionGenetics, part of Exact Sciences
Classification: Uncertain significance for KDM6B-related condition. Last evaluated: 2024-08-13. Review status: no assertion criteria provided. Collection method: clinical testing. Allele origin: germline. Not counted in ClinVar's aggregate classification.
Comment: The KDM6B c.55C>T variant is predicted to result in the amino acid substitution p.Leu19Phe. To our knowledge, this variant has not been reported in the literature. This variant is reported in 0.00088% of alleles in individuals of European (non-Finnish) descent in gnomAD. At this time, the clinical significance of this variant is uncertain due to the absence of conclusive functional and genetic evidence.

NM_001348716.2(KDM6B):c.55C>T (p.Leu19Phe)

Gene: KDM6B (lysine demethylase 6B; plus strand). Cytogenetic location: 17p13.1.
Variant type: single nucleotide variant.
Coding change: c.55C>T on transcript NM_001348716.2 (MANE Select); coding-DNA position 55, C replaced by T.
Protein change: p.Leu19Phe; replaces leucine 19 with phenylalanine.
Molecular consequence: missense variant.
Genome position (GRCh38, 1-based): chr17:7,845,609, C>T. VCF-style: chr17-7845609-C-T. GRCh37 (hg19) VCF-style: chr17-7748927-C-T.
Other names: c.55C>T, p.Leu19Phe (NM_001080424.2); short protein forms L19F.
Identifiers: ClinVar variation 2631780 (VCV002631780.4), dbSNP rs775940947, ClinGen allele CA8360035.